The following is an entry in ClinVar:

NM_000552.5(VWF):c.6976+3A>G

Gene: VWF (von Willebrand factor; minus strand). Cytogenetic location: 12p13.31.
Variant type: single nucleotide variant.
Coding change: c.6976+3A>G on transcript NM_000552.5 (MANE Select); 3 bases into the intron after coding-DNA position 6976, A replaced by G.
Molecular consequence: intron variant.
Genome position (GRCh38, 1-based): chr12:5,985,042, T>C on the plus strand (A>G on the coding strand, the complement: VWF is on the minus strand). VCF-style: chr12-5985042-T-C. GRCh37 (hg19) VCF-style: chr12-6094208-T-C.
Identifiers: ClinVar variation 4688856 (VCV004688856.1).

ClinVar aggregate classification (germline): Uncertain significance (1 of 4 stars; one submission).

Submission:

Women's Health and Genetics/Laboratory Corporation of America, LabCorp
Classification: Uncertain significance. Last evaluated: 2025-12-23. Review status: criteria provided, single submitter. Criteria: LabCorp Variant Classification Summary - May 2015. Collection method: clinical testing. Allele origin: germline.
Comment: Variant summary: VWF c.6976+3A>G alters a conserved nucleotide located close to a canonical splice site and therefore could affect mRNA splicing, leading to a significantly altered protein sequence. Several computational tools predict a significant impact on normal splicing: Two predict the variant weakens a canonical 5' donor site and one predicts the variant abolishes this site. One predicts the variant has no significant impact on splicing. However, these predictions have yet to be confirmed by functional studies. The variant was absent in 251484 control chromosomes (gnomAD). The available data on variant occurrences in the general population are insufficient to allow any conclusion about variant significance. To our knowledge, no occurrence of c.6976+3A>G in individuals affected with VWF-related conditions and no experimental evidence demonstrating its impact on protein function have been reported. No submitters have cited clinical-significance assessments for this variant to ClinVar. Based on the evidence outlined above, the variant was classified as uncertain significance.